The following is an entry in ClinVar:

ClinVar aggregate classification (germline): Likely pathogenic (1 of 4 stars; one submission).

Conditions:
Agenesis of the corpus callosum with peripheral neuropathy (ACCPN). Also called: CHARLEVOIX DISEASE; HMSN/ACC; Hereditary Motor and Sensory Neuropathy with Agenesis of the Corpus Callosum; POLYNEUROPATHY, SENSORIMOTOR, WITH OR WITHOUT AGENESIS OF THE CORPUS CALLOSUM. Identifiers: Orphanet 1496, MedGen C0795950, MONDO:0000902, OMIM 218000. Disease mechanism: loss of function.

Submission:

Natera, Inc.
Classification: Likely pathogenic for Andermann syndrome. Last evaluated: 2025-09-04. Review status: criteria provided, single submitter. Criteria: Natera Variant Classification Schema (03/2026). Collection method: clinical testing. Allele origin: germline.
Comment: The c.785_786del variant in SLC12A6 is a frameshift variant predicted to shift the reading frame beginning at codon 262 and leads to a stop codon 27 codons downstream. This variant is expected to result in nonsense mediated decay, truncation, or a dysfunctional protein product. This variant is rare in the general population with a frequency below the threshold expected for the associated phenotype(s). Given the available evidence, this variant is classified as Likely Pathogenic.

NM_001365088.1(SLC12A6):c.785_786del (p.Pro262fs)

Gene: SLC12A6 (solute carrier family 12 member 6; minus strand). Cytogenetic location: 15q14.
Variant type: Deletion.
Coding change: c.785_786del on transcript NM_001365088.1 (MANE Select); coding-DNA positions 785 to 786, 2 bases deleted (CA; older notation c.785_786delCA).
Protein change: p.Pro262fs; shifts the reading frame from proline 262.
Molecular consequence: frameshift variant.
Genome position (GRCh38, 1-based): chr15:34,255,352-34,255,353, TG deleted on the plus strand (CA on the coding strand, the reverse complement: SLC12A6 is on the minus strand). VCF-style (leftmost placement, unchanged base first): chr15-34255351-CTG-C. GRCh37 (hg19) VCF-style: chr15-34547552-CTG-C.
Other names: c.608_609del, p.Pro203fs (NM_001042494.2, NM_001042495.2); c.758_759del, p.Pro253fs (NM_001042496.2); c.740_741del, p.Pro247fs (NM_001042497.2); c.632_633del, p.Pro211fs (NM_005135.2); c.785_786delCA, p.Pro262Argfs (NM_133647.1); c.785_786del, p.Pro262fs (NM_133647.2); short protein forms P203fs, P211fs, P247fs, P253fs, P262fs.
Identifiers: ClinVar variation 4816523 (VCV004816523.1).